The following is an entry in ClinVar:

ClinVar aggregate classification (germline): Conflicting classifications of pathogenicity. Review status: criteria provided, conflicting classifications (1 of 4 stars). 4 submissions from 4 submitters: Uncertain significance (1); Likely benign (3). Last evaluated 2026-06-24.

Conditions:
Noonan syndrome 9 (NS9). Identifiers: Orphanet 648, MedGen C4225282, MONDO:0014691, OMIM 616559.
Cardiovascular phenotype. Identifiers: MedGen CN230736.

Allele frequency attached by ClinVar (database versions not stated): gnomAD 0.00002; gnomAD exomes 0.00001 and 0.00004; TOPMed 0.00003; ExAC 0.00001.
gnomAD v4.1: 21 of 1,613,182 alleles (0.0013%); highest among the groups gnomAD compares: Non-Finnish European, 0.000085%; no homozygotes.

Submissions (4):

Women's Health and Genetics/Laboratory Corporation of America, LabCorp
Classification: Likely benign. Last evaluated: 2026-06-24. Review status: criteria provided, single submitter. Criteria: LabCorp Variant Classification Summary - May 2015. Collection method: clinical testing. Allele origin: germline.
Comment: Variant summary: SOS2 c.2350C>T (p.Arg784Cys) results in a non-conservative amino acid change in the encoded protein sequence. Algorithms developed to predict the effect of missense changes on protein structure and function are either unavailable or do not agree on the potential impact of this missense change. The variant allele was found at a frequency of 4.4e-05 in 251178 control chromosomes. The observed variant frequency exceeds the estimated maximal expected allele frequency for disease-causing variants in SOS2. To our knowledge, no occurrence of c.2350C>T in individuals affected with SOS2-related conditions and no experimental evidence demonstrating its impact on protein function have been reported. ClinVar contains an entry for this variant (Variation ID: 1569374). Based on the evidence outlined above, the variant was classified as likely benign.

Ambry Genetics
Classification: Likely benign for Cardiovascular phenotype. Last evaluated: 2026-02-20. Review status: criteria provided, single submitter. Criteria: Ambry Variant Classification Scheme 2023. Collection method: clinical testing. Allele origin: germline.

Labcorp Genetics (formerly Invitae), Labcorp
Classification: Likely benign for Noonan syndrome 9. Last evaluated: 2026-01-07. Review status: criteria provided, single submitter. Criteria: Invitae Variant Classification Sherloc (09022015). Collection method: clinical testing. Allele origin: germline.

Clinical Genomics Laboratory, Stanford Medicine
Classification: Uncertain significance for Noonan syndrome 9. Last evaluated: 2021-06-05. Review status: criteria provided, single submitter. Criteria: ACMG Guidelines, 2015. Collection method: clinical testing. Allele origin: germline. Affected: yes. Observed: 1 heterozygote.
Comment: • The p.Arg784Cys variant in the SOS2 gene has not been previously reported in association with disease. • This variant has been identified in 11/10,362 Ashkenazi Jewish chromosomes (12/282,574 chromosomes overall) by the Genome Aggregation Database. Although this variant has been seen in the general population, it has not been observed at a frequency high enough to rule out pathogenicity. • The arginine at amino acid residue 784 is highly conserved and computational tools predict that the p.Arg784Cys variant is deleterious; however, the accuracy of in silico algorithms is limited. • These data were assessed using the ACMG/AMP variant interpretation guidelines. In summary, the significance of the p.Arg784Cys variant is uncertain. Additional information is needed to resolve the significance of this variant. [ACMG evidence codes used: PP3]

NM_006939.4(SOS2):c.2350C>T (p.Arg784Cys)

Gene: SOS2 (SOS Ras/Rho guanine nucleotide exchange factor 2; minus strand). Cytogenetic location: 14q21.3.
Variant type: single nucleotide variant.
Coding change: c.2350C>T on transcript NM_006939.4 (MANE Select); coding-DNA position 2350, C replaced by T.
Protein change: p.Arg784Cys; replaces arginine 784 with cysteine.
Molecular consequence: missense variant.
Genome position (GRCh38, 1-based): chr14:50,150,042, G>A on the plus strand (C>T on the coding strand, the complement: SOS2 is on the minus strand). VCF-style: chr14-50150042-G-A. GRCh37 (hg19) VCF-style: chr14-50616760-G-A.
Other names: p.Arg784Cys; c.2350C>T (NM_006939.3, NM_006939.2); short protein forms R784C.
Identifiers: ClinVar variation 1569374 (VCV001569374.11), dbSNP rs760520078, ClinGen allele CA7177062.